The following is an entry in ClinVar:

ClinVar aggregate classification (germline): Uncertain significance (1 of 4 stars; one submission).

Conditions:
Hereditary cancer-predisposing syndrome. Also called: Neoplastic Syndromes, Hereditary; Tumor predisposition; Hereditary Cancer Syndrome; Hereditary neoplastic syndrome. Identifiers: Orphanet 140162, MedGen C0027672, MeSH D009386, MONDO:0015356.

Submission:

Ambry Genetics
Classification: Uncertain significance for Hereditary cancer-predisposing syndrome. Last evaluated: 2021-09-22. Review status: criteria provided, single submitter. Criteria: Ambry Variant Classification Scheme 2023. Collection method: clinical testing. Allele origin: germline.
Comment: The p.E655V variant (also known as c.1964A>T), located in coding exon 7 of the AXIN2 gene, results from an A to T substitution at nucleotide position 1964. The glutamic acid at codon 655 is replaced by valine, an amino acid with dissimilar properties. This amino acid position is conserved. In addition, this alteration is predicted to be tolerated by in silico analysis. Since supporting evidence is limited at this time, the clinical significance of this alteration remains unclear.

NM_004655.4(AXIN2):c.1964A>T (p.Glu655Val)

Gene: AXIN2 (axin 2; minus strand). Cytogenetic location: 17q24.1.
Variant type: single nucleotide variant.
Coding change: c.1964A>T on transcript NM_004655.4 (MANE Select); coding-DNA position 1964, A replaced by T.
Protein change: p.Glu655Val; replaces glutamic acid 655 with valine.
Molecular consequence: missense variant.
Genome position (GRCh38, 1-based): chr17:65,536,497, T>A on the plus strand (A>T on the coding strand, the complement: AXIN2 is on the minus strand). VCF-style: chr17-65536497-T-A. GRCh37 (hg19) VCF-style: chr17-63532615-T-A.
Other names: c.1769A>T, p.Glu590Val (NM_001363813.1); short protein forms E655V, E590V.
Identifiers: ClinVar variation 1783492 (VCV001783492.2), dbSNP rs2509403077, ClinGen allele CA400676247.